The following is an entry in ClinVar:

NM_022835.3(PLEKHG2):c.20G>A (p.Gly7Glu)

Gene: PLEKHG2 (pleckstrin homology and RhoGEF domain containing G2; plus strand). Cytogenetic location: 19q13.2.
Variant type: single nucleotide variant.
Coding change: c.20G>A on transcript NM_022835.3 (MANE Select); coding-DNA position 20, G replaced by A.
Protein change: p.Gly7Glu; replaces glycine 7 with glutamic acid.
Molecular consequence: missense variant.
Genome position (GRCh38, 1-based): chr19:39,414,106, G>A. VCF-style: chr19-39414106-G-A. GRCh37 (hg19) VCF-style: chr19-39904746-G-A.
Other names: c.20G>A, p.Gly7Glu (NM_001351693.2, NM_001351694.2); short protein forms G7E.
Identifiers: ClinVar variation 1939634 (VCV001939634.2), dbSNP rs763500718, ClinGen allele CA9428965.
Genomic context (GRCh38, chr19:39,414,106, plus strand): 5'-GAAGGGGCTCTTTCTGCAGGACTCTGCTGGGCCGCTCAGCCATGCCTGAGGGAGCCCAAG[G>A]ACTGAGCCTCTCCAAACCTAGCCCAAGCCTCGGGTGTGGCCGAAGAGGTGAAGTGTGTGA-3'
Protein context (NP_073746.2, residues 1-17): MPEGAQ[Gly7Glu]LSLSKPSPSL

ClinVar aggregate classification (germline): Uncertain significance (1 of 4 stars; one submission).

Allele frequency attached by ClinVar (database versions not stated): gnomAD 0.00001; TOPMed 0.00001; gnomAD exomes 0.00003; ExAC 0.00005.
gnomAD v4.1: 48 of 1,551,356 alleles (0.0031%); highest among the groups gnomAD compares: Non-Finnish European, 0.004%; no homozygotes.

Submission:

Labcorp Genetics (formerly Invitae), Labcorp
Classification: Uncertain significance. Last evaluated: 2022-05-21. Review status: criteria provided, single submitter. Criteria: Invitae Variant Classification Sherloc (09022015). Collection method: clinical testing. Allele origin: germline.
Comment: This sequence change replaces glycine, which is neutral and non-polar, with glutamic acid, which is acidic and polar, at codon 7 of the PLEKHG2 protein (p.Gly7Glu). This variant is present in population databases (rs763500718, gnomAD 0.006%). This variant has not been reported in the literature in individuals affected with PLEKHG2-related conditions. Algorithms developed to predict the effect of missense changes on protein structure and function are either unavailable or do not agree on the potential impact of this missense change (SIFT: "Deleterious"; PolyPhen-2: "Possibly Damaging"; Align-GVGD: "Class C0"). In summary, the available evidence is currently insufficient to determine the role of this variant in disease. Therefore, it has been classified as a Variant of Uncertain Significance.